The following is an entry in ClinVar:

ClinVar aggregate classification (germline): Likely pathogenic (1 of 4 stars; one submission).

Conditions:
Neuronal ceroid lipofuscinosis 2. Also called: TPP1-Related Neuronal Ceroid-Lipofuscinosis; JANSKY-BIELSCHOWSKY DISEASE NEURONAL CEROID LIPOFUSCINOSIS, LATE INFANTILE. Identifiers: Orphanet 168491, Orphanet 228349, Orphanet 79264, MedGen C1876161, MONDO:0008769, OMIM 204500.

Submission:

Myriad Genetics, Inc.
Classification: Likely pathogenic for Neuronal ceroid lipofuscinosis 2. Last evaluated: 2021-12-30. Review status: criteria provided, single submitter. Criteria: Myriad Women's Health Autosomal Recessive and X-Linked Classification Criteria (2021). Collection method: clinical testing. Allele origin: unknown.
Comment: NM_000391.3(TPP1):c.876C>A(Y292*) is expected to be pathogenic in the context of TPP1-related neuronal ceroid lipofuscinosis. This variant is predicted to lead to an abnormal or absent protein product due to the creation of a premature termination codon in TPP1, a gene where loss-of-function variants are known to be pathogenic. Please note: this variant was assessed in the context of healthy population screening.

NM_000391.4(TPP1):c.876C>A (p.Tyr292Ter)

Gene: TPP1 (tripeptidyl peptidase 1; minus strand). Cytogenetic location: 11p15.4.
Variant type: single nucleotide variant.
Coding change: c.876C>A on transcript NM_000391.4 (MANE Select); coding-DNA position 876, C replaced by A.
Protein change: p.Tyr292Ter; replaces tyrosine 292 with a stop codon.
Molecular consequence: nonsense.
Genome position (GRCh38, 1-based): chr11:6,616,671, G>T on the plus strand (C>A on the coding strand, the complement: TPP1 is on the minus strand). VCF-style: chr11-6616671-G-T. GRCh37 (hg19) VCF-style: chr11-6637902-G-T.
Other names: short protein forms Y292*.
Identifiers: ClinVar variation 1726649 (VCV001726649.2), dbSNP rs1176117951, ClinGen allele CA379474836.